The following is an entry in ClinVar:

ClinVar aggregate classification (germline): Uncertain significance (1 of 4 stars; one submission).

Conditions:
ALG9 congenital disorder of glycosylation (CDG1L). Also called: CDG Il; CONGENITAL DISORDER OF GLYCOSYLATION, TYPE Il; ALG9-CDG. Identifiers: Orphanet 79328, MedGen C2931006, MONDO:0012117, OMIM 608776.

gnomAD v4.1: 2 of 1,614,218 alleles (0.00012%); highest among the groups gnomAD compares: Non-Finnish European, 0.00017%; no homozygotes.

Submission:

Labcorp Genetics (formerly Invitae), Labcorp
Classification: Uncertain significance for ALG9 congenital disorder of glycosylation. Last evaluated: 2025-04-15. Review status: criteria provided, single submitter. Criteria: Invitae Variant Classification Sherloc (09022015). Collection method: clinical testing. Allele origin: germline.
Comment: This sequence change replaces leucine, which is neutral and non-polar, with arginine, which is basic and polar, at codon 669 of the ATP6V0A2 protein (p.Leu669Arg). This variant is not present in population databases (gnomAD no frequency). This variant has not been reported in the literature in individuals affected with ATP6V0A2-related conditions. Invitae Evidence Modeling of protein sequence and biophysical properties (such as structural, functional, and spatial information, amino acid conservation, physicochemical variation, residue mobility, and thermodynamic stability) indicates that this missense variant is not expected to disrupt ATP6V0A2 protein function with a negative predictive value of 80%. In summary, the available evidence is currently insufficient to determine the role of this variant in disease. Therefore, it has been classified as a Variant of Uncertain Significance.

NM_012463.4(ATP6V0A2):c.2006T>G (p.Leu669Arg)

Gene: ATP6V0A2 (ATPase H+ transporting V0 subunit a2; plus strand). Cytogenetic location: 12q24.31.
Variant type: single nucleotide variant.
Coding change: c.2006T>G on transcript NM_012463.4 (MANE Select); coding-DNA position 2006, T replaced by G.
Protein change: p.Leu669Arg; replaces leucine 669 with arginine.
Molecular consequence: missense variant.
Genome position (GRCh38, 1-based): chr12:123,751,180, T>G. VCF-style: chr12-123751180-T-G. GRCh37 (hg19) VCF-style: chr12-124235727-T-G.
Other names: short protein forms L669R.
Identifiers: ClinVar variation 4740512 (VCV004740512.1).